The following is an entry in ClinVar:

NM_000836.4(GRIN2D):c.367G>T (p.Ala123Ser)

Genes: GRIN2D (glutamate ionotropic receptor NMDA type subunit 2D; plus strand), LOC130064856 (ATAC-STARR-seq lymphoblastoid silent region 10880; plus strand). Cytogenetic location: 19q13.33.
Variant type: single nucleotide variant.
Coding change: c.367G>T on transcript NM_000836.4 (MANE Select); coding-DNA position 367, G replaced by T.
Protein change: p.Ala123Ser; replaces alanine 123 with serine.
Molecular consequence: missense variant.
Genome position (GRCh38, 1-based): chr19:48,398,759, G>T. VCF-style: chr19-48398759-G-T. GRCh37 (hg19) VCF-style: chr19-48902016-G-T.
Other names: short protein forms A123S.
Identifiers: ClinVar variation 3675004 (VCV003675004.2).

ClinVar aggregate classification (germline): Uncertain significance (1 of 4 stars; one submission).

gnomAD v4.1: 3 of 1,463,748 alleles (0.0002%); highest among the groups gnomAD compares: Non-Finnish European, 0.00027%; no homozygotes.

Submission:

Labcorp Genetics (formerly Invitae), Labcorp
Classification: Uncertain significance. Last evaluated: 2024-04-24. Review status: criteria provided, single submitter. Criteria: Invitae Variant Classification Sherloc (09022015). Collection method: clinical testing. Allele origin: germline.
Comment: This sequence change replaces alanine, which is neutral and non-polar, with serine, which is neutral and polar, at codon 123 of the GRIN2D protein (p.Ala123Ser). This variant is present in population databases (no rsID available, gnomAD 0.007%). This variant has not been reported in the literature in individuals affected with GRIN2D-related conditions. Advanced modeling of protein sequence and biophysical properties (such as structural, functional, and spatial information, amino acid conservation, physicochemical variation, residue mobility, and thermodynamic stability) performed at Invitae indicates that this missense variant is not expected to disrupt GRIN2D protein function with a negative predictive value of 80%. In summary, the available evidence is currently insufficient to determine the role of this variant in disease. Therefore, it has been classified as a Variant of Uncertain Significance.